The following is an entry in ClinVar:

ClinVar aggregate classification (germline): Uncertain significance. Review status: criteria provided, multiple submitters, no conflicts (2 of 4 stars). 2 submissions from 2 submitters: Uncertain significance (2). Last evaluated 2024-08-20.

Conditions:
Inborn genetic diseases. Identifiers: MedGen C0950123, MeSH D030342.

Allele frequency attached by ClinVar (database versions not stated): gnomAD exomes below 0.00001 and 0.00001; TOPMed below 0.00001; ExAC 0.00003.

Submissions (2):

Ambry Genetics
Classification: Uncertain significance for Inborn genetic diseases. Last evaluated: 2024-08-20. Review status: criteria provided, single submitter. Criteria: Ambry Variant Classification Scheme 2023. Collection method: clinical testing. Allele origin: germline.

Labcorp Genetics (formerly Invitae), Labcorp
Classification: Uncertain significance. Last evaluated: 2021-08-11. Review status: criteria provided, single submitter. Criteria: Invitae Variant Classification Sherloc (09022015). Collection method: clinical testing. Allele origin: germline.
Comment: Algorithms developed to predict the effect of sequence changes on RNA splicing suggest that this variant may create or strengthen a splice site, but this prediction has not been confirmed by published transcriptional studies. This sequence change replaces arginine with glutamine at codon 593 of the DYRK1B protein (p.Arg593Gln). The arginine residue is moderately conserved and there is a small physicochemical difference between arginine and glutamine. This variant is present in population databases (rs757058932, ExAC 0.04%). This variant has not been reported in the literature in individuals with DYRK1B-related conditions. Advanced modeling of protein sequence and biophysical properties (such as structural, functional, and spatial information, amino acid conservation, physicochemical variation, residue mobility, and thermodynamic stability) performed at Invitae indicates that this missense variant is not expected to disrupt DYRK1B protein function. In summary, the available evidence is currently insufficient to determine the role of this variant in disease. Therefore, it has been classified as a Variant of Uncertain Significance.

NM_004714.3(DYRK1B):c.1778G>A (p.Arg593Gln)

Gene: DYRK1B (dual specificity tyrosine phosphorylation regulated kinase 1B; minus strand). Cytogenetic location: 19q13.2.
Variant type: single nucleotide variant.
Coding change: c.1778G>A on transcript NM_004714.3 (MANE Select); coding-DNA position 1778, G replaced by A.
Protein change: p.Arg593Gln; replaces arginine 593 with glutamine.
Molecular consequence: missense variant.
Genome position (GRCh38, 1-based): chr19:39,825,827, C>T on the plus strand (G>A on the coding strand, the complement: DYRK1B is on the minus strand). VCF-style: chr19-39825827-C-T. GRCh37 (hg19) VCF-style: chr19-40316467-C-T.
Other names: c.1658G>A, p.Arg553Gln (NM_006483.3); c.1694G>A, p.Arg565Gln (NM_006484.3); c.1778G>A (NM_004714.1); short protein forms R593Q, R553Q, R565Q.
Identifiers: ClinVar variation 1384325 (VCV001384325.9), dbSNP rs757058932, ClinGen allele CA9433921.